The following is an entry in ClinVar:

ClinVar aggregate classification (germline): Uncertain significance. Review status: criteria provided, multiple submitters, no conflicts (2 of 4 stars). 2 submissions from 2 submitters: Uncertain significance (2). Last evaluated 2023-02-23.

Conditions:
Colorectal cancer, hereditary nonpolyposis, type 7. Identifiers: Orphanet 144, MedGen C1858380, MONDO:0013725, OMIM 614385.

gnomAD v4.1: 1 of 1,614,076 alleles (0.000062%); highest among the groups gnomAD compares: Admixed American, 0.0017%; no homozygotes.

Submissions (2):

Ambry Genetics
Classification: Uncertain significance. Last evaluated: 2023-02-23. Review status: criteria provided, single submitter. Criteria: Ambry Variant Classification Scheme 2023. Collection method: clinical testing. Allele origin: germline.
Comment: The p.T646R variant (also known as c.1937C>G), located in coding exon 1 of the MLH3 gene, results from a C to G substitution at nucleotide position 1937. The threonine at codon 646 is replaced by arginine, an amino acid with similar properties. This amino acid position is conserved. In addition, this alteration is predicted to be tolerated by in silico analysis. Since supporting evidence is limited at this time, the clinical significance of this alteration remains unclear.

Labcorp Genetics (formerly Invitae), Labcorp
Classification: Uncertain significance for Colorectal cancer, hereditary nonpolyposis, type 7. Last evaluated: 2022-10-07. Review status: criteria provided, single submitter. Criteria: Invitae Variant Classification Sherloc (09022015). Collection method: clinical testing. Allele origin: germline.
Comment: This sequence change replaces threonine, which is neutral and polar, with arginine, which is basic and polar, at codon 646 of the MLH3 protein (p.Thr646Arg). This variant is present in population databases (no rsID available, gnomAD 0.003%). This variant has not been reported in the literature in individuals affected with MLH3-related conditions. Algorithms developed to predict the effect of missense changes on protein structure and function (SIFT, PolyPhen-2, Align-GVGD) all suggest that this variant is likely to be tolerated. In summary, the available evidence is currently insufficient to determine the role of this variant in disease. Therefore, it has been classified as a Variant of Uncertain Significance.

NM_001040108.2(MLH3):c.1937C>G (p.Thr646Arg)

Gene: MLH3 (mutL homolog 3; minus strand). Cytogenetic location: 14q24.3.
Variant type: single nucleotide variant.
Coding change: c.1937C>G on transcript NM_001040108.2 (MANE Select); coding-DNA position 1937, C replaced by G.
Protein change: p.Thr646Arg; replaces threonine 646 with arginine.
Molecular consequence: missense variant.
Genome position (GRCh38, 1-based): chr14:75,047,719, G>C on the plus strand (C>G on the coding strand, the complement: MLH3 is on the minus strand). VCF-style: chr14-75047719-G-C. GRCh37 (hg19) VCF-style: chr14-75514422-G-C.
Other names: c.1937C>G, p.Thr646Arg (NM_014381.3); short protein forms T646R.
Identifiers: ClinVar variation 2422028 (VCV002422028.8), dbSNP rs1359486041, ClinGen allele CA390443702.